The following is an entry in ClinVar:

NM_024407.5(NDUFS7):c.*16C>T

Gene: NDUFS7 (NADH:ubiquinone oxidoreductase core subunit S7; plus strand). Cytogenetic location: 19p13.3.
Variant type: single nucleotide variant.
Coding change: c.*16C>T on transcript NM_024407.5 (MANE Select); 16 bases downstream of the stop codon, C replaced by T.
Molecular consequence: 3 prime UTR variant.
Genome position (GRCh38, 1-based): chr19:1,395,504, C>T. VCF-style: chr19-1395504-C-T. GRCh37 (hg19) VCF-style: chr19-1395503-C-T.
Other names: c.*1082C>T (NM_001363602.2).
Identifiers: ClinVar variation 214826 (VCV000214826.6), dbSNP rs573586959, ClinGen allele CA324673.

ClinVar aggregate classification (germline): Conflicting classifications of pathogenicity. Review status: criteria provided, conflicting classifications (1 of 4 stars). 3 submissions from 2 submitters: Uncertain significance (2); Benign (1). Last evaluated 2018-01-15.

Conditions:
Leigh syndrome (NULS). Also called: LEIGH SYNDROME, NUCLEAR; Leigh Disease; Leigh's necrotizing encephalopathy; Leigh's disease; Leigh Syndrome (mtDNA deletion); Subacute necrotizing encephalopathy. Identifiers: Orphanet 506, MedGen C2931891, MONDO:0009723, OMIM 256000.
Mitochondrial complex I deficiency, nuclear type 1. Also called: NADH-COENZYME Q REDUCTASE DEFICIENCY; MITOCHONDRIAL NADH DEHYDROGENASE COMPONENT OF COMPLEX I, DEFICIENCY OF. Identifiers: MedGen C6022305, MONDO:0100224, OMIM 252010.

Allele frequency attached by ClinVar (database versions not stated): gnomAD exomes 0.00014; ExAC 0.00032; 1000 Genomes Project 0.00040; gnomAD 0.00063 and 0.00069; TOPMed 0.00068.
gnomAD v4.1: 205 of 1,563,156 alleles (0.013%); highest among the groups gnomAD compares: African/African-American, 0.22%; no homozygotes.

Submissions (3):

Illumina Laboratory Services, Illumina
Classification: Uncertain significance for Mitochondrial complex I deficiency, nuclear type 1. Last evaluated: 2018-01-15. Review status: criteria provided, single submitter. Criteria: ICSL Variant Classification Criteria 13 December 2019. Collection method: clinical testing. Allele origin: germline.

Illumina Laboratory Services, Illumina
Classification: Uncertain significance for Leigh syndrome. Last evaluated: 2018-01-15. Review status: criteria provided, single submitter. Criteria: ICSL Variant Classification Criteria 13 December 2019. Collection method: clinical testing. Allele origin: germline.

GeneDx
Classification: Benign. Last evaluated: 2015-01-12. Review status: criteria provided, single submitter. Criteria: GeneDx Variant Classification (06012015). Collection method: clinical testing. Allele origin: germline. Affected: yes.
Comment: This variant is considered likely benign or benign based on one or more of the following criteria: it is a conservative change, it occurs at a poorly conserved position in the protein, it is predicted to be benign by multiple in silico algorithms, and/or has population frequency not consistent with disease.